The following is an entry in ClinVar:

ClinVar aggregate classification (germline): Uncertain significance. Review status: criteria provided, multiple submitters, no conflicts (2 of 4 stars). 2 submissions from 2 submitters: Uncertain significance (2). Last evaluated 2024-07-29.

Conditions:
Familial thoracic aortic aneurysm and aortic dissection (TAAD). Also called: Thoracic aortic aneurysms and dissections. Identifiers: Orphanet 91387, MedGen C4707243, MONDO:0019625.

Submissions (2):

All of Us Research Program, National Institutes of Health
Classification: Uncertain significance for Familial thoracic aortic aneurysm and aortic dissection. Last evaluated: 2024-07-29. Review status: criteria provided, single submitter. Criteria: ACMG Guidelines, 2015. Collection method: clinical testing. Allele origin: germline. Inheritance: Autosomal dominant inheritance. Observed: 2 variant alleles, 2 heterozygotes.
Comment: This variant causes an in-frame deletion of one amino acid at exon 32 of the MYH11 protein. To our knowledge, functional studies have not been reported for this variant. This variant has not been reported in individuals affected with MYH11-related disorders in the literature. This variant has been identified in 2/251476 chromosomes in the general population by the Genome Aggregation Database (gnomAD). The available evidence is insufficient to determine the role of this variant in disease conclusively. Therefore, this variant is classified as a Variant of Uncertain Significance.

This study involves interpretation of variants in research participants for the purpose of population health screening. Participant phenotype was not available at the time of variant classification. Additional details can be found in publication PMID: 35346344, PMCID: PMC8962531

Color Diagnostics, LLC DBA Color Health
Classification: Uncertain significance for Familial thoracic aortic aneurysm and aortic dissection. Last evaluated: 2024-01-30. Review status: criteria provided, single submitter. Criteria: ACMG Guidelines, 2015. Collection method: clinical testing. Allele origin: germline.
Comment: This variant causes an in-frame deletion of one amino acid at exon 32 of the MYH11 protein. To our knowledge, functional studies have not been reported for this variant. This variant has not been reported in individuals affected with MYH11-related disorders in the literature. This variant has been identified in 2/251476 chromosomes in the general population by the Genome Aggregation Database (gnomAD). The available evidence is insufficient to determine the role of this variant in disease conclusively. Therefore, this variant is classified as a Variant of Uncertain Significance.

NM_002474.3(MYH11):c.4225GAG[1] (p.Glu1410del)

Genes: NDE1 (nudE neurodevelopment protein 1; plus strand), MYH11 (myosin heavy chain 11; minus strand). Cytogenetic location: 16p13.11.
Variant type: Microsatellite.
Coding change: c.4225GAG[1] on transcript NM_002474.3 (MANE Select); one copy of the 3-base unit GAG starting at c.4225; the reference has two copies in a row; one copy, 3 bases deleted.
Protein change: p.Glu1410del; deletes glutamic acid 1410.
Molecular consequence: 3 prime UTR variant (on NM_017668.3).
Genome position (GRCh38, 1-based): chr16:15,724,296-15,724,298, CTC deleted on the plus strand (GAG on the coding strand, the reverse complement: MYH11 is on the minus strand); deleting any 3 consecutive bases within chr16:15,724,296-15,724,301 gives the same sequence; the position shown is the placement nearest the transcript's 3' end. VCF-style (leftmost placement, unchanged base first): chr16-15724295-TCTC-T. GRCh37 (hg19) VCF-style: chr16-15818152-TCTC-T.
Other names: c.4246GAG[1], p.Glu1417del (NM_001040113.2, NM_001040114.2); c.4225GAG[1], p.Glu1410del (NM_022844.3); c.*45CTC[1] (NM_001143979.2, NM_017668.3); c.4249_4251del (NM_001040113.2); short protein forms E1410del, E1417del.
Identifiers: ClinVar variation 3387182 (VCV003387182.2).